The following is an entry in ClinVar:

ClinVar aggregate classification (germline): Benign. Review status: criteria provided, multiple submitters, no conflicts (2 of 4 stars). 3 submissions from 3 submitters: Benign (2). 1 of the submissions does not count toward it. Last evaluated 2026-02-01.

Conditions:
RFXANK-related disorder. Also called: RFXANK-related condition.
MHC class II deficiency. Also called: Bare lymphocyte syndrome 2; BLS, TYPE II. Identifiers: Orphanet 572, MedGen C5447452, MONDO:0008855.

Allele frequency attached by ClinVar (database versions not stated): gnomAD exomes 0.00291 and 0.00773; ExAC 0.00967; gnomAD 0.02856 and 0.03058; TOPMed 0.03212; 1000 Genomes Project 0.03494; ESP Exome Variant Server 0.03683; 1000 Genomes Project 30x 0.03763.
gnomAD v4.1: 8,767 of 1,614,024 alleles (0.54%); highest among the groups gnomAD compares: African/African-American, 10%; 406 homozygotes.

Submissions (29):

Labcorp Genetics (formerly Invitae), Labcorp
Classification: Benign for MHC class II deficiency. Last evaluated: 2026-02-01. Review status: criteria provided, single submitter. Criteria: Invitae Variant Classification Sherloc (09022015). Collection method: clinical testing. Allele origin: germline.

Women's Health and Genetics/Laboratory Corporation of America, LabCorp
Classification: Benign. Last evaluated: 2026-01-21. Review status: criteria provided, single submitter. Criteria: LabCorp Variant Classification Summary - May 2015. Collection method: clinical testing. Allele origin: germline.

PreventionGenetics, part of Exact Sciences
Classification: Benign for RFXANK-related condition. Last evaluated: 2019-07-01. Review status: no assertion criteria provided. Collection method: clinical testing. Allele origin: germline. Not counted in ClinVar's aggregate classification.
Comment: This variant is classified as benign based on ACMG/AMP sequence variant interpretation guidelines (Richards et al. 2015 PMID: 25741868, with internal and published modifications).

Dr. Peter K. Rogan Lab, Western University
No classification provided (evidence only). Condition: Clear cell carcinoma of kidney. Review status: no classification provided. Collection method: in vitro. Allele origin: not applicable. Functional consequence: retained intron. Not counted in ClinVar's aggregate classification.

Dr. Peter K. Rogan Lab, Western University
No classification provided (evidence only). Condition: Clear cell carcinoma of kidney. Review status: no classification provided. Collection method: in vitro. Allele origin: not applicable. Functional consequence: retained intron. Not counted in ClinVar's aggregate classification.

Dr. Peter K. Rogan Lab, Western University
No classification provided (evidence only). Condition: Lung cancer. Review status: no classification provided. Collection method: in vitro. Allele origin: not applicable. Functional consequence: retained intron. Not counted in ClinVar's aggregate classification.

Dr. Peter K. Rogan Lab, Western University
No classification provided (evidence only). Condition: Acute myeloid leukemia. Review status: no classification provided. Collection method: in vitro. Allele origin: not applicable. Functional consequence: skipped exon, retained intron. Not counted in ClinVar's aggregate classification.

Dr. Peter K. Rogan Lab, Western University
No classification provided (evidence only). Condition: Acute myeloid leukemia. Review status: no classification provided. Collection method: in vitro. Allele origin: not applicable. Functional consequence: retained intron. Not counted in ClinVar's aggregate classification.

Dr. Peter K. Rogan Lab, Western University
No classification provided (evidence only). Condition: Colon adenocarcinoma. Review status: no classification provided. Collection method: in vitro. Allele origin: not applicable. Functional consequence: retained intron. Not counted in ClinVar's aggregate classification.

Dr. Peter K. Rogan Lab, Western University
No classification provided (evidence only). Condition: Uterine corpus endometrial carcinoma. Review status: no classification provided. Collection method: in vitro. Allele origin: not applicable. Functional consequence: retained intron. Not counted in ClinVar's aggregate classification.

Dr. Peter K. Rogan Lab, Western University
No classification provided (evidence only). Condition: Uterine corpus endometrial carcinoma. Review status: no classification provided. Collection method: in vitro. Allele origin: not applicable. Functional consequence: retained intron. Not counted in ClinVar's aggregate classification.

Dr. Peter K. Rogan Lab, Western University
No classification provided (evidence only). Condition: Uterine corpus endometrial carcinoma. Review status: no classification provided. Collection method: in vitro. Allele origin: not applicable. Functional consequence: retained intron. Not counted in ClinVar's aggregate classification.

Dr. Peter K. Rogan Lab, Western University
No classification provided (evidence only). Condition: Uterine corpus endometrial carcinoma. Review status: no classification provided. Collection method: in vitro. Allele origin: not applicable. Functional consequence: retained intron. Not counted in ClinVar's aggregate classification.

Dr. Peter K. Rogan Lab, Western University
No classification provided (evidence only). Condition: Uterine corpus endometrial carcinoma. Review status: no classification provided. Collection method: in vitro. Allele origin: not applicable. Functional consequence: retained intron. Not counted in ClinVar's aggregate classification.

Dr. Peter K. Rogan Lab, Western University
No classification provided (evidence only). Condition: Uterine corpus endometrial carcinoma. Review status: no classification provided. Collection method: in vitro. Allele origin: not applicable. Functional consequence: retained intron. Not counted in ClinVar's aggregate classification.

Dr. Peter K. Rogan Lab, Western University
No classification provided (evidence only). Condition: Uterine corpus endometrial carcinoma. Review status: no classification provided. Collection method: in vitro. Allele origin: not applicable. Functional consequence: retained intron. Not counted in ClinVar's aggregate classification.

Dr. Peter K. Rogan Lab, Western University
No classification provided (evidence only). Condition: Uterine corpus endometrial carcinoma. Review status: no classification provided. Collection method: in vitro. Allele origin: not applicable. Functional consequence: retained intron. Not counted in ClinVar's aggregate classification.

Dr. Peter K. Rogan Lab, Western University
No classification provided (evidence only). Condition: Uterine corpus endometrial carcinoma. Review status: no classification provided. Collection method: in vitro. Allele origin: not applicable. Functional consequence: retained intron. Not counted in ClinVar's aggregate classification.

Dr. Peter K. Rogan Lab, Western University
No classification provided (evidence only). Condition: Cervical cancer. Review status: no classification provided. Collection method: in vitro. Allele origin: not applicable. Functional consequence: retained intron. Not counted in ClinVar's aggregate classification.

Dr. Peter K. Rogan Lab, Western University
No classification provided (evidence only). Condition: Cervical cancer. Review status: no classification provided. Collection method: in vitro. Allele origin: not applicable. Functional consequence: retained intron. Not counted in ClinVar's aggregate classification.

Dr. Peter K. Rogan Lab, Western University
No classification provided (evidence only). Condition: Cervical cancer. Review status: no classification provided. Collection method: in vitro. Allele origin: not applicable. Functional consequence: retained intron. Not counted in ClinVar's aggregate classification.

Dr. Peter K. Rogan Lab, Western University
No classification provided (evidence only). Condition: Cervical cancer. Review status: no classification provided. Collection method: in vitro. Allele origin: not applicable. Functional consequence: retained intron. Not counted in ClinVar's aggregate classification.

Dr. Peter K. Rogan Lab, Western University
No classification provided (evidence only). Condition: Sarcoma. Review status: no classification provided. Collection method: in vitro. Allele origin: not applicable. Functional consequence: retained intron. Not counted in ClinVar's aggregate classification.

Dr. Peter K. Rogan Lab, Western University
No classification provided (evidence only). Condition: Nonpapillary renal cell carcinoma. Review status: no classification provided. Collection method: in vitro. Allele origin: not applicable. Functional consequence: retained intron. Not counted in ClinVar's aggregate classification.

Dr. Peter K. Rogan Lab, Western University
No classification provided (evidence only). Condition: Thymoma. Review status: no classification provided. Collection method: in vitro. Allele origin: not applicable. Functional consequence: retained intron. Not counted in ClinVar's aggregate classification.

Dr. Peter K. Rogan Lab, Western University
No classification provided (evidence only). Condition: Thymoma. Review status: no classification provided. Collection method: in vitro. Allele origin: not applicable. Functional consequence: skipped exon, retained intron. Not counted in ClinVar's aggregate classification.

Dr. Peter K. Rogan Lab, Western University
No classification provided (evidence only). Condition: Ovarian serous cystadenocarcinoma. Review status: no classification provided. Collection method: in vitro. Allele origin: not applicable. Functional consequence: retained intron. Not counted in ClinVar's aggregate classification.

Dr. Peter K. Rogan Lab, Western University
No classification provided (evidence only). Condition: Gastric cancer. Review status: no classification provided. Collection method: in vitro. Allele origin: not applicable. Functional consequence: retained intron. Not counted in ClinVar's aggregate classification.

Dr. Peter K. Rogan Lab, Western University
No classification provided (evidence only). Condition: Uterine carcinosarcoma. Review status: no classification provided. Collection method: in vitro. Allele origin: not applicable. Functional consequence: retained intron. Not counted in ClinVar's aggregate classification.

NM_003721.4(RFXANK):c.712+4A>G

Gene: RFXANK (regulatory factor X associated ankyrin containing protein; plus strand). Cytogenetic location: 19p13.11.
Variant type: single nucleotide variant.
Coding change: c.712+4A>G on transcript NM_003721.4 (MANE Select); 4 bases into the intron after coding-DNA position 712, A replaced by G.
Molecular consequence: intron variant.
Genome position (GRCh38, 1-based): chr19:19,199,238, A>G. VCF-style: chr19-19199238-A-G. GRCh37 (hg19) VCF-style: chr19-19310047-A-G.
Other names: c.646+4A>G (NM_001278727.2, NM_001370234.1); c.643+4A>G (NM_134440.3, NM_001278728.2); c.709+4A>G (NM_001370235.1, NM_001370237.1, NM_001370236.1); c.712+4A>G (NM_001370238.1, NM_001370233.1).
Identifiers: ClinVar variation 328647 (VCV000328647.19), dbSNP rs73922830, ClinGen allele CA9322899.
Genomic context (GRCh38, chr19:19,199,238, plus strand): 5'-AAGCCGACTCTGGCTACACCCCGATGGACCTTGCCGTGGCCCTGGGATACCGGAAAGGTC[A>G]GCCTGAGACACACAGAGCAGGGGTGGGGTCCCTTCCATAGGCAGGGTGACCATAAAGGGG-3'